The following is an entry in ClinVar:

NM_001385875.1(ZFYVE27):c.1211C>T (p.Ser404Leu)

Gene: ZFYVE27 (zinc finger FYVE-type containing 27; plus strand). Cytogenetic location: 10q24.2.
Variant type: single nucleotide variant.
Coding change: c.1211C>T on transcript NM_001385875.1 (MANE Select); coding-DNA position 1211, C replaced by T.
Protein change: p.Ser404Leu; replaces serine 404 with leucine.
Molecular consequence: missense variant. On other transcripts: non-coding transcript variant (17).
Genome position (GRCh38, 1-based): chr10:97,759,275, C>T. VCF-style: chr10-97759275-C-T. GRCh37 (hg19) VCF-style: chr10-99519032-C-T.
Other names: c.1226C>T, p.Ser409Leu (NM_001002261.4, NM_001385871.1); c.1190C>T, p.Ser397Leu (NM_001002262.4, NM_001385880.1, NM_001385881.1); c.1094C>T, p.Ser365Leu (NM_001174119.2, NM_001385889.1); c.932C>T, p.Ser311Leu (NM_001174120.2); c.911C>T, p.Ser304Leu (NM_001174121.2, NM_001385915.1); c.836C>T, p.Ser279Leu (NM_001174122.2); c.1244C>T, p.Ser415Leu (NM_001385876.1); c.1208C>T, p.Ser403Leu (NM_001385877.1); and 14 more; short protein forms S186L, S279L, S316L, S336L, S403L, S404L, S409L, S415L.
Identifiers: ClinVar variation 2157804 (VCV002157804.4), dbSNP rs754991600, ClinGen allele CA5635505.
Genomic context (GRCh38, chr10:97,759,275, plus strand): 5'-CAAGTTCTTCCTCCTTTTCAGCCCCTGAAGCCCAGAGGGAGACTGTGTTTGTGTGTGCCT[C>T]GTGTAACCAGACCTTGAGCAAGTGAGAAGAGAGGCCAGGGTCCAACCAGGCACCCGTCCT-3'
Protein context (NP_001372804.1, residues 394-411): AQRETVFVCA[Ser404Leu]CNQTLSK

ClinVar aggregate classification (germline): Uncertain significance (1 of 4 stars; one submission).

Conditions:
Spastic paraplegia. Identifiers: MedGen C0037772, HP:0001258.

Allele frequency attached by ClinVar (database versions not stated): gnomAD exomes 0.00001; TOPMed 0.00001; ExAC 0.00003; gnomAD 0.00003.
gnomAD v4.1: 22 of 1,614,176 alleles (0.0014%); highest among the groups gnomAD compares: Middle Eastern, 0.033%; 1 homozygote.

Submission:

Labcorp Genetics (formerly Invitae), Labcorp
Classification: Uncertain significance for Spastic paraplegia. Last evaluated: 2022-08-11. Review status: criteria provided, single submitter. Criteria: Invitae Variant Classification Sherloc (09022015). Collection method: clinical testing. Allele origin: germline.
Comment: This variant has not been reported in the literature in individuals affected with ZFYVE27-related conditions. This sequence change replaces serine, which is neutral and polar, with leucine, which is neutral and non-polar, at codon 409 of the ZFYVE27 protein (p.Ser409Leu). This variant is present in population databases (rs754991600, gnomAD 0.02%). Algorithms developed to predict the effect of missense changes on protein structure and function are either unavailable or do not agree on the potential impact of this missense change (SIFT: "Tolerated"; PolyPhen-2: "Possibly Damaging"; Align-GVGD: "Class C0"). In summary, the available evidence is currently insufficient to determine the role of this variant in disease. Therefore, it has been classified as a Variant of Uncertain Significance.